The following is an entry in ClinVar:

ClinVar aggregate classification (germline): Uncertain significance. Review status: criteria provided, multiple submitters, no conflicts (2 of 4 stars). 3 submissions from 3 submitters: Uncertain significance (3). Last evaluated 2025-09-09.

Conditions:
Becker muscular dystrophy (BMD). Also called: MUSCULAR DYSTROPHY, PSEUDOHYPERTROPHIC PROGRESSIVE, BECKER TYPE; Becker Muscular Dystrophy (BMD). Identifiers: Orphanet 98895, MedGen C0917713, MONDO:0010311, OMIM 300376.
Dilated cardiomyopathy 3B (CMD3B). Also called: CMD3B: DMD-Related Dilated Cardiomyopathy; CARDIOMYOPATHY, DILATED, X-LINKED; DMD-Associated Dilated Cardiomyopathy. Identifiers: Orphanet 154, MedGen C3668940, MONDO:0010542, OMIM 302045.
Duchenne muscular dystrophy (DMD). Also called: MUSCULAR DYSTROPHY, PSEUDOHYPERTROPHIC PROGRESSIVE, DUCHENNE TYPE; Duchenne Muscular Dystrophy (DMD). Identifiers: Orphanet 98896, MedGen C0013264, MONDO:0010679, OMIM 310200.
Cardiovascular phenotype. Identifiers: MedGen CN230736.

Allele frequency attached by ClinVar (database versions not stated): gnomAD 0.00002; TOPMed 0.00003.
gnomAD v4.1: 4 of 1,208,561 alleles (0.00033%); highest among the groups gnomAD compares: Non-Finnish European, 0.00034%; no homozygotes.

Submissions (3):

Ambry Genetics
Classification: Uncertain significance for Cardiovascular phenotype. Last evaluated: 2025-09-09. Review status: criteria provided, single submitter. Criteria: Ambry Variant Classification Scheme 2023. Collection method: clinical testing. Allele origin: germline.
Comment: The p.L1674F variant (also known as c.5022G>T), located in coding exon 35 of the DMD gene, results from a G to T substitution at nucleotide position 5022. The leucine at codon 1674 is replaced by phenylalanine, an amino acid with highly similar properties. This amino acid position is highly conserved in available vertebrate species. In addition, this alteration is predicted to be deleterious by in silico analysis. Based on the available evidence, the clinical significance of this variant remains unclear.

Fulgent Genetics
Classification: Uncertain significance for Becker muscular dystrophy; Dilated cardiomyopathy 3B; Duchenne muscular dystrophy. Last evaluated: 2021-12-03. Review status: criteria provided, single submitter. Criteria: ACMG Guidelines, 2015. Collection method: clinical testing. Allele origin: unknown.

Labcorp Genetics (formerly Invitae), Labcorp
Classification: Uncertain significance for Duchenne muscular dystrophy. Last evaluated: 2021-10-14. Review status: criteria provided, single submitter. Criteria: Invitae Variant Classification Sherloc (09022015). Collection method: clinical testing. Allele origin: germline.
Comment: This sequence change replaces leucine with phenylalanine at codon 1674 of the DMD protein (p.Leu1674Phe). The leucine residue is highly conserved and there is a small physicochemical difference between leucine and phenylalanine. This variant is not present in population databases (ExAC no frequency). This variant has not been reported in the literature in individuals affected with DMD-related conditions. Algorithms developed to predict the effect of missense changes on protein structure and function are either unavailable or do not agree on the potential impact of this missense change (SIFT: "Deleterious"; PolyPhen-2: "Possibly Damaging"; Align-GVGD: "Class C15"). In summary, the available evidence is currently insufficient to determine the role of this variant in disease. Therefore, it has been classified as a Variant of Uncertain Significance.

NM_004006.3(DMD):c.5022G>T (p.Leu1674Phe)

Gene: DMD (dystrophin; minus strand). Cytogenetic location: Xp21.1.
Variant type: single nucleotide variant.
Coding change: c.5022G>T on transcript NM_004006.3 (MANE Select); coding-DNA position 5022, G replaced by T.
Protein change: p.Leu1674Phe; replaces leucine 1674 with phenylalanine.
Molecular consequence: missense variant.
Genome position (GRCh38, 1-based): chrX:32,365,023, C>A on the plus strand (G>T on the coding strand, the complement: DMD is on the minus strand). VCF-style: chrX-32365023-C-A. GRCh37 (hg19) VCF-style: chrX-32383140-C-A.
Other names: c.4998G>T, p.Leu1666Phe (NM_000109.4); c.5010G>T, p.Leu1670Phe (NM_004009.3); c.4653G>T, p.Leu1551Phe (NM_004010.3); c.999G>T, p.Leu333Phe (NM_004011.4); c.990G>T, p.Leu330Phe (NM_004012.4); short protein forms L1551F, L1674F, L1666F, L1670F, L330F, L333F.
Identifiers: ClinVar variation 1369894 (VCV001369894.9), dbSNP rs398123975, ClinGen allele CA412671749.